The following is an entry in ClinVar:

ClinVar aggregate classification (germline): Conflicting classifications of pathogenicity. Review status: criteria provided, conflicting classifications (1 of 4 stars). 3 submissions from 3 submitters: Uncertain significance (1); Likely benign (1). 1 of the submissions does not count toward it. Last evaluated 2024-03-04.

Conditions:
Retinal dystrophy. Also called: Inherited retinal dystrophy. Identifiers: Orphanet 71862, MedGen C0854723, MeSH D058499, MONDO:0019118, HP:0000556.
Inborn genetic diseases. Identifiers: MedGen C0950123, MeSH D030342.
Leber congenital amaurosis 4 (LCA4). Identifiers: MedGen C1858386, MONDO:0011458, OMIM 604393.

gnomAD v4.1: 46 of 1,611,200 alleles (0.0029%); highest among the groups gnomAD compares: Non-Finnish European, 0.0036%; no homozygotes.

Submissions (3):

Labcorp Genetics (formerly Invitae), Labcorp
Classification: Uncertain significance for Leber congenital amaurosis 4. Last evaluated: 2024-03-04. Review status: criteria provided, single submitter. Criteria: Invitae Variant Classification Sherloc (09022015). Collection method: clinical testing. Allele origin: germline.
Comment: This sequence change replaces alanine, which is neutral and non-polar, with threonine, which is neutral and polar, at codon 364 of the AIPL1 protein (p.Ala364Thr). This variant is present in population databases (rs201875142, gnomAD 0.01%). This variant has not been reported in the literature in individuals affected with AIPL1-related conditions. ClinVar contains an entry for this variant (Variation ID: 2165078). Algorithms developed to predict the effect of missense changes on protein structure and function output the following: SIFT: "Not Available"; PolyPhen-2: "Not Available"; Align-GVGD: "Not Available". The threonine amino acid residue is found in multiple mammalian species, which suggests that this missense change does not adversely affect protein function. In summary, the available evidence is currently insufficient to determine the role of this variant in disease. Therefore, it has been classified as a Variant of Uncertain Significance.

Ambry Genetics
Classification: Likely benign for Inborn genetic diseases. Last evaluated: 2024-01-04. Review status: criteria provided, single submitter. Criteria: Ambry Variant Classification Scheme 2023. Collection method: clinical testing. Allele origin: germline.

Institute of Human Genetics, Univ. Regensburg, Univ. Regensburg
Classification: Uncertain significance for Retinal dystrophy. Last evaluated: 2023-01-01. Review status: no assertion criteria provided. Criteria: ACMG Guidelines, 2015. Collection method: clinical testing. Allele origin: germline. Affected: yes. Not counted in ClinVar's aggregate classification.

NM_014336.5(AIPL1):c.1090G>A (p.Ala364Thr)

Gene: AIPL1 (AIP like 1 HSP90 co-chaperone; minus strand). Cytogenetic location: 17p13.2.
Variant type: single nucleotide variant.
Coding change: c.1090G>A on transcript NM_014336.5 (MANE Select); coding-DNA position 1090, G replaced by A.
Protein change: p.Ala364Thr; replaces alanine 364 with threonine.
Molecular consequence: missense variant. On other transcripts: 3 prime UTR variant (1).
Genome position (GRCh38, 1-based): chr17:6,425,525, C>T on the plus strand (G>A on the coding strand, the complement: AIPL1 is on the minus strand). VCF-style: chr17-6425525-C-T. GRCh37 (hg19) VCF-style: chr17-6328845-C-T.
Other names: c.1090G>A (NM_014336.3); c.901G>A, p.Ala301Thr (NM_001033054.3); c.910G>A, p.Ala304Thr (NM_001033055.3); c.1054G>A, p.Ala352Thr (NM_001285399.3); c.1024G>A, p.Ala342Thr (NM_001285400.3); c.1018G>A, p.Ala340Thr (NM_001285401.3); c.973G>A, p.Ala325Thr (NM_001285402.2); c.*1061G>A (NM_001285403.4); short protein forms A301T, A340T, A342T, A325T, A304T, A352T, A364T.
Identifiers: ClinVar variation 2165078 (VCV002165078.5), dbSNP rs201875142, ClinGen allele CA8328314.
Genomic context (GRCh38, chr17:6,425,525, plus strand): 5'-GCTGCAGCGAGTGCCCTGGGGACGGGGGTGGCTCTGTGGCTGGCTCTGCAGGGGGCCCTG[C>T]GGACAGCTCTGCAGATGGTGCTGTGGGTGGCTCTGCAGGTGGCTCTGTGGATGACTGTGC-3'
Protein context (NP_055151.3, residues 354-374): PPTAPSAELS[Ala364Thr]GPPAEPATEP